The following is an entry in ClinVar:

ClinVar aggregate classification (germline): Uncertain significance (0 of 4 stars; one submission).

Conditions:
PIK3C2B-related disorder. Also called: PIK3C2B-related condition.

Submission:

PreventionGenetics, part of Exact Sciences
Classification: Uncertain significance for PIK3C2B-related condition. Last evaluated: 2024-05-17. Review status: no assertion criteria provided. Collection method: clinical testing. Allele origin: germline.
Comment: The PIK3C2B c.4783G>C variant is predicted to result in the amino acid substitution p.Glu1595Gln. To our knowledge, this variant has not been reported in the literature. This variant is reported in 0.010% of alleles in individuals of European (Non-Finnish) descent in gnomAD. At this time, the clinical significance of this variant is uncertain due to the absence of conclusive functional and genetic evidence.

NM_001377334.1(PIK3C2B):c.4783G>C (p.Glu1595Gln)

Gene: PIK3C2B (phosphatidylinositol-4-phosphate 3-kinase catalytic subunit type 2 beta; minus strand). Cytogenetic location: 1q32.1.
Variant type: single nucleotide variant.
Coding change: c.4783G>C on transcript NM_001377334.1 (MANE Select); coding-DNA position 4783, G replaced by C.
Protein change: p.Glu1595Gln; replaces glutamic acid 1595 with glutamine.
Molecular consequence: missense variant.
Genome position (GRCh38, 1-based): chr1:204,424,974, C>G on the plus strand (G>C on the coding strand, the complement: PIK3C2B is on the minus strand). VCF-style: chr1-204424974-C-G. GRCh37 (hg19) VCF-style: chr1-204394102-C-G.
Other names: c.4699G>C, p.Glu1567Gln (NM_001377335.1); c.4783G>C, p.Glu1595Gln (NM_002646.4); short protein forms E1567Q, E1595Q.
Identifiers: ClinVar variation 3357175 (VCV003357175.1).